The following is an entry in ClinVar:

NM_001131005.2(MEF2C):c.-143+4247_-143+4248dup

Gene: MEF2C (myocyte enhancer factor 2C; minus strand). Cytogenetic location: 5q14.3.
Variant type: Duplication.
Coding change: c.-143+4247_-143+4248dup on transcript NM_001131005.2; bases 4247 to 4248 of the intron after 143 bases upstream of the start codon, 2 bases duplicated (CC; older notation c.-143+4247_-143+4248dupCC).
Molecular consequence: intron variant.
Genome position (GRCh38, 1-based): chr5:88,883,254-88,883,255, GG duplicated on the plus strand (CC on the coding strand, the reverse complement: MEF2C is on the minus strand); duplicating any 2 consecutive bases within chr5:88,883,254-88,883,262 gives the same sequence; the c. name uses the placement nearest the transcript's 3' end. VCF-style (leftmost placement, unchanged base first): chr5-88883253-A-AGG. GRCh37 (hg19) VCF-style: chr5-88179070-A-AGG.
Other names: c.-140+4247_-140+4248dup (NM_001364329.2, NM_001364334.2); c.-143+4247_-143+4248dup (NM_001364330.2, NM_001193347.1); c.-143+1234_-143+1235dup (NM_001364345.2, NM_001364335.2).
Identifiers: ClinVar variation 1217527 (VCV001217527.33), dbSNP rs144197632, ClinGen allele CA561151539.

ClinVar aggregate classification (germline): Benign/Likely benign. Review status: criteria provided, multiple submitters, no conflicts (2 of 4 stars). 2 submissions from 2 submitters: Benign (1); Likely benign (1). Last evaluated 2022-11-01.

Submissions (2):

CeGaT Center for Human Genetics Tuebingen
Classification: Benign. Last evaluated: 2022-11-01. Review status: criteria provided, single submitter. Criteria: CeGaT Center For Human Genetics Tuebingen Variant Classification Criteria Version 2. Collection method: clinical testing. Allele origin: germline. Affected: yes. Observed: 2 variant alleles.
Comment: MEF2C: BS1, BS2

GeneDx
Classification: Likely benign. Last evaluated: 2019-10-02. Review status: criteria provided, single submitter. Criteria: GeneDx Variant Classification Process June 2021. Collection method: clinical testing. Allele origin: germline. Affected: yes.